The following is an entry in ClinVar:

ClinVar aggregate classification (germline): Benign/Likely benign. Review status: criteria provided, multiple submitters, no conflicts (2 of 4 stars). 12 submissions from 12 submitters: Benign (10); Likely benign (1). 1 of the submissions does not count toward it. Last evaluated 2026-02-04.

Conditions:
Primary ciliary dyskinesia. Also called: Ciliary dyskinesia. Identifiers: Orphanet 244, MedGen C0008780, MONDO:0016575, HP:0012265.
Primary ciliary dyskinesia 3. Identifiers: Orphanet 244, MedGen C1837618, MONDO:0012085, OMIM 608644.

Allele frequency attached by ClinVar (database versions not stated): ESP Exome Variant Server 0.05982; gnomAD 0.09802; TOPMed 0.10317; ExAC 0.14063; gnomAD exomes 0.14909; 1000 Genomes Project 30x 0.15428; 1000 Genomes Project 0.15895.
gnomAD v4.1: 173,206 of 1,613,678 alleles (11%); highest among the groups gnomAD compares: East Asian, 42%; 14,021 homozygotes.

Submissions (12):

Labcorp Genetics (formerly Invitae), Labcorp
Classification: Benign for Primary ciliary dyskinesia. Last evaluated: 2026-02-04. Review status: criteria provided, single submitter. Criteria: Invitae Variant Classification Sherloc (09022015). Collection method: clinical testing. Allele origin: germline.

ARUP Laboratories, Molecular Genetics and Genomics, ARUP Laboratories
Classification: Benign for Primary ciliary dyskinesia 3. Last evaluated: 2025-06-25. Review status: criteria provided, single submitter. Criteria: ARUP Molecular Germline Variant Investigation Process 2024. Collection method: clinical testing. Allele origin: germline.

Blueprint Genetics
Classification: Likely benign. Last evaluated: 2024-11-26. Review status: criteria provided, single submitter. Criteria: ACMG Guidelines, 2015. Collection method: clinical testing. Allele origin: germline.

Mayo Clinic Laboratories, Mayo Clinic
Classification: Benign. Last evaluated: 2023-02-09. Review status: criteria provided, single submitter. Criteria: ACMG Guidelines, 2015. Collection method: clinical testing. Allele origin: germline. Observed: 39 variant alleles.
Comment: BA1

Pars Genome Lab
Classification: Benign for Primary ciliary dyskinesia 3. Last evaluated: 2021-06-15. Review status: criteria provided, single submitter. Criteria: ACMG Guidelines, 2015. Collection method: clinical testing. Allele origin: germline. Affected: no.

GeneDx
Classification: Benign. Last evaluated: 2018-11-12. Review status: criteria provided, single submitter. Criteria: GeneDx Variant Classification Process June 2021. Collection method: clinical testing. Allele origin: germline. Affected: yes.
Comment: This variant is associated with the following publications: (PMID: 27989800, 23678272)

Illumina Laboratory Services, Illumina
Classification: Benign for Primary ciliary dyskinesia 3. Last evaluated: 2018-01-13. Review status: criteria provided, single submitter. Criteria: ICSL Variant Classification Criteria 13 December 2019. Collection method: clinical testing. Allele origin: germline.
Comment: This variant was observed in the ICSL laboratory as part of a predisposition screen in an ostensibly healthy population. It had not been previously curated by ICSL or reported in the Human Gene Mutation Database (HGMD: prior to June 1st, 2018), and was therefore a candidate for classification through an automated scoring system. Utilizing variant allele frequency, disease prevalence and penetrance estimates, and inheritance mode, an automated score was calculated to assess if this variant is too frequent to cause the disease. Based on the score and internal cut-off values, a variant classified as benign is not then subjected to further curation. The score for this variant resulted in a classification of benign for this disease.

Ambry Genetics
Classification: Benign for Primary ciliary dyskinesia. Last evaluated: 2014-12-01. Review status: criteria provided, single submitter. Criteria: Ambry Variant Classification Scheme 2023. Collection method: clinical testing. Allele origin: germline.

Laboratory for Molecular Medicine, Mass General Brigham Personalized Medicine
Classification: Benign. Last evaluated: 2013-02-21. Review status: criteria provided, single submitter. Criteria: LMM Criteria. Collection method: clinical testing. Allele origin: germline. Observed: 12 variant alleles.
Comment: Thr4220Ala in exon 73 of DNAH5: This variant is not expected to have clinical si gnificance because it has been identified in 7.8% (670/8600) of European America n chromosomes from a broad population by the NHLBI Exome Sequencing Project (dbSNP rs2277046).

Breakthrough Genomics
Classification: Benign. Review status: criteria provided, single submitter. Criteria: ACMG Guidelines, 2015. Collection method: not provided. Allele origin: germline. Inheritance: Autosomal recessive inheritance. Affected: yes.

PreventionGenetics, part of Exact Sciences
Classification: Benign. Review status: criteria provided, single submitter. Criteria: ACMG Guidelines, 2015. Collection method: clinical testing. Allele origin: germline.

Natera, Inc.
Classification: Benign for Primary ciliary dyskinesia. Last evaluated: 2020-09-16. Review status: no assertion criteria provided. Collection method: clinical testing. Allele origin: germline. Not counted in ClinVar's aggregate classification.

NM_001369.3(DNAH5):c.12658A>G (p.Thr4220Ala)

Gene: DNAH5 (dynein axonemal heavy chain 5; minus strand). Cytogenetic location: 5p15.2.
Variant type: single nucleotide variant.
Coding change: c.12658A>G on transcript NM_001369.3 (MANE Select); coding-DNA position 12658, A replaced by G.
Protein change: p.Thr4220Ala; replaces threonine 4220 with alanine.
Molecular consequence: missense variant.
Genome position (GRCh38, 1-based): chr5:13,717,362, T>C on the plus strand (A>G on the coding strand, the complement: DNAH5 is on the minus strand). VCF-style: chr5-13717362-T-C. GRCh37 (hg19) VCF-style: chr5-13717471-T-C.
Other names: short protein forms T4220A.
Identifiers: ClinVar variation 178741 (VCV000178741.37), dbSNP rs2277046, ClinGen allele CA182919.
Genomic context (GRCh38, chr5:13,717,362, plus strand): 5'-TGCGCGGCAGTACCTTTTTGACATCCATGTCATCCAAGTGGTTTTGGATGAACTGCACAG[T>C]GGCATTAAAGTCCGCTTGGTTAAATTCGTAGGGGATATTCCACCCCAGGGCACCGAACTT-3'
Protein context (NP_001360.1, residues 4210-4230): YEFNQADFNA[Thr4220Ala]VQFIQNHLDD